The following is an entry in ClinVar:

NM_005859.5(PURA):c.3G>A (p.Met1Ile)

Gene: PURA (purine rich element binding protein A; plus strand). Cytogenetic location: 5q31.3.
Variant type: single nucleotide variant.
Coding change: c.3G>A on transcript NM_005859.5 (MANE Select); coding-DNA position 3, G replaced by A.
Protein change: p.Met1Ile; changes the start codon (methionine 1).
Molecular consequence: missense variant, initiator codon variant.
Genome position (GRCh38, 1-based): chr5:140,114,184, G>A. VCF-style: chr5-140114184-G-A. GRCh37 (hg19) VCF-style: chr5-139493769-G-A.
Other names: short protein forms M1I.
Identifiers: ClinVar variation 2098281 (VCV002098281.5), dbSNP rs2479503494, ClinGen allele CA361488935.
Genomic context (GRCh38, chr5:140,114,184, plus strand): 5'-GACTGAGGCGGCGGGCGGAGCGGCAGGCGGCGGCGGCGCGGCAGCGGAGCGCAGCATCAT[G>A]GCGGACCGAGACAGCGGCAGCGAGCAGGGTGGTGCGGCGCTGGGTTCGGGCGGCTCCCTG-3'
Protein context (NP_005850.1, residues 1-11): [Met1Ile]ADRDSGSEQG

ClinVar aggregate classification (germline): Pathogenic (1 of 4 stars; one submission).

Conditions:
PURA-related severe neonatal hypotonia-seizures-encephalopathy syndrome (NEDRIHF). Also called: NEURODEVELOPMENTAL DISORDER WITH NEONATAL RESPIRATORY INSUFFICIENCY, HYPOTONIA, AND FEEDING DIFFICULTIES; PURA-Related Neurodevelopmental Disorders. Identifiers: Orphanet 438213, Orphanet 438216, MedGen C4015357, MONDO:1060108, OMIM 616158, MONDO:0018580.

Allele frequency attached by ClinVar (database versions not stated): gnomAD exomes below 0.00001.

Submission:

Labcorp Genetics (formerly Invitae), Labcorp
Classification: Pathogenic for PURA-related severe neonatal hypotonia-seizures-encephalopathy syndrome. Last evaluated: 2022-05-17. Review status: criteria provided, single submitter. Criteria: Invitae Variant Classification Sherloc (09022015). Collection method: clinical testing. Allele origin: germline.
Comment: For these reasons, this variant has been classified as Pathogenic. Disruption of the initiator codon has been observed in individual(s) with clinical features of PURA syndrome (PMID: 27148565, 32337850). In at least one individual the variant was observed to be de novo. This variant is not present in population databases (gnomAD no frequency). This sequence change affects the initiator methionine of the PURA mRNA. The next in-frame methionine is located at codon 104.

Literature cited by the submitters: PubMed 27148565; PubMed 32337850.